The following is an entry in ClinVar:

NM_006267.5(RANBP2):c.6643C>G (p.Pro2215Ala)

Gene: RANBP2 (RAN binding protein 2; plus strand). Cytogenetic location: 2q13.
Variant type: single nucleotide variant.
Coding change: c.6643C>G on transcript NM_006267.5 (MANE Select); coding-DNA position 6643, C replaced by G.
Protein change: p.Pro2215Ala; replaces proline 2215 with alanine.
Molecular consequence: missense variant.
Genome position (GRCh38, 1-based): chr2:108,767,182, C>G. VCF-style: chr2-108767182-C-G. GRCh37 (hg19) VCF-style: chr2-109383638-C-G.
Other names: short protein forms P2215A.
Identifiers: ClinVar variation 382601 (VCV000382601.27), dbSNP rs775798185, ClinGen allele CA1823471.

ClinVar aggregate classification (germline): Conflicting classifications of pathogenicity. Review status: criteria provided, conflicting classifications (1 of 4 stars). 3 submissions from 3 submitters: Uncertain significance (1); Likely benign (2). Last evaluated 2025-11-24.

Allele frequency attached by ClinVar (database versions not stated): gnomAD 0.00003; ExAC 0.00004; gnomAD exomes 0.00004.

Submissions (3):

Ambry Genetics
Classification: Uncertain significance. Last evaluated: 2025-11-24. Review status: criteria provided, single submitter. Criteria: Ambry Variant Classification Scheme 2023. Collection method: clinical testing. Allele origin: germline.

CeGaT Center for Human Genetics Tuebingen
Classification: Likely benign. Last evaluated: 2023-09-01. Review status: criteria provided, single submitter. Criteria: CeGaT Center For Human Genetics Tuebingen Variant Classification Criteria Version 2. Collection method: clinical testing. Allele origin: germline. Affected: yes. Observed: 1 variant allele.
Comment: RANBP2: BP4

GeneDx
Classification: Likely benign. Last evaluated: 2016-03-21. Review status: criteria provided, single submitter. Criteria: GeneDx Variant Classification (06012015). Collection method: clinical testing. Allele origin: germline. Affected: yes.
Comment: This variant is considered likely benign or benign based on one or more of the following criteria: it is a conservative change, it occurs at a poorly conserved position in the protein, it is predicted to be benign by multiple in silico algorithms, and/or has population frequency not consistent with disease.